The following is an entry in ClinVar:

NM_030632.3(ASXL3):c.6315G>C (p.Gln2105His)

Gene: ASXL3 (ASXL transcriptional regulator 3; plus strand). Cytogenetic location: 18q12.1.
Variant type: single nucleotide variant.
Coding change: c.6315G>C on transcript NM_030632.3 (MANE Select); coding-DNA position 6315, G replaced by C.
Protein change: p.Gln2105His; replaces glutamine 2105 with histidine.
Molecular consequence: missense variant.
Genome position (GRCh38, 1-based): chr18:33,746,163, G>C. VCF-style: chr18-33746163-G-C. GRCh37 (hg19) VCF-style: chr18-31326127-G-C.
Other names: short protein forms Q2105H.
Identifiers: ClinVar variation 3365842 (VCV003365842.1).
Genomic context (GRCh38, chr18:33,746,163, plus strand): 5'-TTTTGAGGAAGGTTTAAGCAGCAGCTGTGAACTGGGCATGAAACAAGTTTCCTATGACCA[G>C]AATGAAATGAAAGAACAGTTAAAAGCATTCGCGCTAAAAAGTGCAGATTTCTCTTCCTAT-3'
Protein context (NP_085135.1, residues 2095-2115): ELGMKQVSYD[Gln2105His]NEMKEQLKAF

ClinVar aggregate classification (germline): Uncertain significance (1 of 4 stars; one submission).

gnomAD v4.1: 2 of 1,613,682 alleles (0.00012%); highest among the groups gnomAD compares: African/African-American, 0.0027%; no homozygotes.

Submission:

GeneDx
Classification: Uncertain significance. Last evaluated: 2023-12-15. Review status: criteria provided, single submitter. Criteria: GeneDx Variant Classification Process June 2021. Collection method: clinical testing. Allele origin: germline. Affected: yes.
Comment: Not observed at significant frequency in large population cohorts (gnomAD); In silico analysis supports that this missense variant does not alter protein structure/function; Has not been previously published as pathogenic or benign to our knowledge